The following is an entry in ClinVar:

NM_033026.6(PCLO):c.6946G>A (p.Val2316Ile)

Gene: PCLO (piccolo presynaptic cytomatrix protein; minus strand). Cytogenetic location: 7q21.11.
Variant type: single nucleotide variant.
Coding change: c.6946G>A on transcript NM_033026.6 (MANE Select); coding-DNA position 6946, G replaced by A.
Protein change: p.Val2316Ile; replaces valine 2316 with isoleucine.
Molecular consequence: missense variant.
Genome position (GRCh38, 1-based): chr7:82,954,007, C>T on the plus strand (G>A on the coding strand, the complement: PCLO is on the minus strand). VCF-style: chr7-82954007-C-T. GRCh37 (hg19) VCF-style: chr7-82583323-C-T.
Other names: c.6946G>A, p.Val2316Ile (NM_014510.3); short protein forms V2316I.
Identifiers: ClinVar variation 2116222 (VCV002116222.4), dbSNP rs2535699264, ClinGen allele CA367918021.
Genomic context (GRCh38, chr7:82,954,007, plus strand): 5'-ATAAGCTACTTTTTGTTCGTTCGGCCTCCAACTCCTTTTTATCTCTGTAAGCTTCCAAAA[C>T]TTCCAGAATGATTCCATTCCCAGTTTCCTTCTTGGCTTTCTTCACTGGGTCCTTTTCAGA-3'
Protein context (NP_149015.2, residues 2306-2326): KETGNGIILE[Val2316Ile]LEAYRDKKEL

ClinVar aggregate classification (germline): Uncertain significance (1 of 4 stars; one submission).

Submission:

Labcorp Genetics (formerly Invitae), Labcorp
Classification: Uncertain significance. Last evaluated: 2022-03-23. Review status: criteria provided, single submitter. Criteria: Invitae Variant Classification Sherloc (09022015). Collection method: clinical testing. Allele origin: germline.
Comment: This sequence change replaces valine, which is neutral and non-polar, with isoleucine, which is neutral and non-polar, at codon 2316 of the PCLO protein (p.Val2316Ile). This variant is not present in population databases (gnomAD no frequency). This variant has not been reported in the literature in individuals affected with PCLO-related conditions. Algorithms developed to predict the effect of missense changes on protein structure and function are either unavailable or do not agree on the potential impact of this missense change (SIFT: "Tolerated"; PolyPhen-2: "Not Available"; Align-GVGD: "Class C0"). In summary, the available evidence is currently insufficient to determine the role of this variant in disease. Therefore, it has been classified as a Variant of Uncertain Significance.